The following is an entry in ClinVar:

NM_001378778.1(MPDZ):c.5341C>T (p.Arg1781Cys)

Gene: MPDZ (multiple PDZ domain crumbs cell polarity complex component; minus strand). Cytogenetic location: 9p23.
Variant type: single nucleotide variant.
Coding change: c.5341C>T on transcript NM_001378778.1 (MANE Select); coding-DNA position 5341, C replaced by T.
Protein change: p.Arg1781Cys; replaces arginine 1781 with cysteine.
Molecular consequence: missense variant.
Genome position (GRCh38, 1-based): chr9:13,119,540, G>A on the plus strand (C>T on the coding strand, the complement: MPDZ is on the minus strand). VCF-style: chr9-13119540-G-A. GRCh37 (hg19) VCF-style: chr9-13119539-G-A.
Other names: c.5242C>T, p.Arg1748Cys (NM_001261406.2, NM_001261407.2, NM_001375416.1 and 3 more transcripts); c.5341C>T, p.Arg1781Cys (NM_001330637.2, NM_003829.5); c.5440C>T, p.Arg1814Cys (NM_001375413.1); c.5131C>T, p.Arg1711Cys (NM_001375420.1, NM_001375421.1, NM_001375422.1 and 4 more transcripts); c.4933C>T, p.Arg1645Cys (NM_001375427.1); c.5341C>T (NM_003829.4); short protein forms R1748C, R1814C, R1645C, R1781C, R1711C.
Identifiers: ClinVar variation 1396174 (VCV001396174.5), dbSNP rs193128302, ClinGen allele CA4986345.
Genomic context (GRCh38, chr9:13,119,540, plus strand): 5'-AATTATTTTTTGCATTTTTTACCTTTAGCAAAGCGGCAACCGCTTCTTGGGTGGCATTAC[G>A]AACGTCTTCCCCATTCACCATTAATATCTGGTCTCCCTGCATCAGTCTTCCATCGGCATC-3'
Protein context (NP_001365707.1, residues 1771-1791): QILMVNGEDV[Arg1781Cys]NATQEAVAAL

ClinVar aggregate classification (germline): Uncertain significance. Review status: criteria provided, multiple submitters, no conflicts (2 of 4 stars). 2 submissions from 2 submitters: Uncertain significance (2). Last evaluated 2024-11-06.

gnomAD v4.1: 88 of 1,613,022 alleles (0.0055%); highest among the groups gnomAD compares: South Asian, 0.011%; 1 homozygote.

Submissions (2):

Labcorp Genetics (formerly Invitae), Labcorp
Classification: Uncertain significance. Last evaluated: 2024-11-06. Review status: criteria provided, single submitter. Criteria: Invitae Variant Classification Sherloc (09022015). Collection method: clinical testing. Allele origin: germline.
Comment: This sequence change replaces arginine, which is basic and polar, with cysteine, which is neutral and slightly polar, at codon 1781 of the MPDZ protein (p.Arg1781Cys). This variant is present in population databases (rs193128302, gnomAD 0.01%). This missense change has been observed in individual(s) with retinitis pigmentosa (internal data). ClinVar contains an entry for this variant (Variation ID: 1396174). An algorithm developed to predict the effect of missense changes on protein structure and function (PolyPhen-2) suggests that this variant is likely to be disruptive. In summary, the available evidence is currently insufficient to determine the role of this variant in disease. Therefore, it has been classified as a Variant of Uncertain Significance.

GeneDx
Classification: Uncertain significance. Last evaluated: 2023-02-11. Review status: criteria provided, single submitter. Criteria: GeneDx Variant Classification Process June 2021. Collection method: clinical testing. Allele origin: germline. Affected: yes.
Comment: Not observed at significant frequency in large population cohorts (gnomAD); In silico analysis supports that this missense variant has a deleterious effect on protein structure/function; Has not been previously published as pathogenic or benign to our knowledge